The following is an entry in ClinVar:

ClinVar aggregate classification (germline): Uncertain significance (1 of 4 stars; one submission).

Conditions:
Supravalvar aortic stenosis (SVAS). Also called: Supravalvar aortic stenosis, Eisenberg type. Identifiers: Orphanet 3193, MedGen C0003499, MONDO:0008504, OMIM 185500, HP:0004381.

Submission:

Labcorp Genetics (formerly Invitae), Labcorp
Classification: Uncertain significance for Supravalvar aortic stenosis. Last evaluated: 2022-09-09. Review status: criteria provided, single submitter. Criteria: Invitae Variant Classification Sherloc (09022015). Collection method: clinical testing. Allele origin: germline.
Comment: In summary, the available evidence is currently insufficient to determine the role of this variant in disease. Therefore, it has been classified as a Variant of Uncertain Significance. Advanced modeling of protein sequence and biophysical properties (such as structural, functional, and spatial information, amino acid conservation, physicochemical variation, residue mobility, and thermodynamic stability) performed at Invitae indicates that this missense variant is not expected to disrupt ELN protein function. This missense change has been observed in individual(s) with ELN-related conditions and/or supravalvular aortic stenosis (Invitae). It has also been observed to segregate with disease in related individuals. This variant is not present in population databases (gnomAD no frequency). This sequence change replaces leucine, which is neutral and non-polar, with arginine, which is basic and polar, at codon 18 of the ELN protein (p.Leu18Arg).

NM_000501.4(ELN):c.53T>G (p.Leu18Arg)

Gene: ELN (elastin; plus strand). Cytogenetic location: 7q11.23.
Variant type: single nucleotide variant.
Coding change: c.53T>G on transcript NM_000501.4 (MANE Select); coding-DNA position 53, T replaced by G.
Protein change: p.Leu18Arg; replaces leucine 18 with arginine.
Molecular consequence: missense variant.
Genome position (GRCh38, 1-based): chr7:74,028,240, T>G. VCF-style: chr7-74028240-T-G. GRCh37 (hg19) VCF-style: chr7-73442570-T-G.
Other names: c.53T>G, p.Leu18Arg (NM_001081752.3, NM_001081753.3, NM_001081754.3 and 9 more transcripts); short protein forms L18R.
Identifiers: ClinVar variation 1719085 (VCV001719085.5), dbSNP rs2484444080, ClinGen allele CA367868707.